The following is an entry in ClinVar:

ClinVar aggregate classification (germline): Uncertain significance. Review status: criteria provided, multiple submitters, no conflicts (2 of 4 stars). 2 submissions from 2 submitters: Uncertain significance (2). Last evaluated 2024-06-18.

Conditions:
Charcot-Marie-Tooth disease axonal type 2O. Also called: CHARCOT-MARIE-TOOTH NEUROPATHY, AXONAL, TYPE 2O; CHARCOT-MARIE-TOOTH DISEASE, AXONAL, AUTOSOMAL DOMINANT, TYPE 2O; Charcot-Marie-Tooth Neuropathy Type 2O; Charcot-Marie-Tooth disease, axonal, type 20. Identifiers: Orphanet 284232, MedGen C3280220, MONDO:0013644, OMIM 614228.

Submissions (2):

Labcorp Genetics (formerly Invitae), Labcorp
Classification: Uncertain significance for Charcot-Marie-Tooth disease axonal type 2O. Last evaluated: 2024-06-18. Review status: criteria provided, single submitter. Criteria: Invitae Variant Classification Sherloc (09022015). Collection method: clinical testing. Allele origin: germline.
Comment: This sequence change replaces serine, which is neutral and polar, with glycine, which is neutral and non-polar, at codon 1315 of the DYNC1H1 protein (p.Ser1315Gly). This variant is not present in population databases (gnomAD no frequency). This variant has not been reported in the literature in individuals affected with DYNC1H1-related conditions. Advanced modeling of protein sequence and biophysical properties (such as structural, functional, and spatial information, amino acid conservation, physicochemical variation, residue mobility, and thermodynamic stability) performed at Invitae indicates that this missense variant is not expected to disrupt DYNC1H1 protein function with a negative predictive value of 95%. In summary, the available evidence is currently insufficient to determine the role of this variant in disease. Therefore, it has been classified as a Variant of Uncertain Significance.

GeneDx
Classification: Uncertain significance. Last evaluated: 2024-03-02. Review status: criteria provided, single submitter. Criteria: GeneDx Variant Classification Process June 2021. Collection method: clinical testing. Allele origin: germline. Affected: yes.
Comment: Not observed at significant frequency in large population cohorts (gnomAD); In silico analysis supports that this missense variant has a deleterious effect on protein structure/function; Has not been previously published as pathogenic or benign to our knowledge; This variant is associated with the following publications: (PMID: 25512093, 25609763, 26100331)

NM_001376.5(DYNC1H1):c.3943A>G (p.Ser1315Gly)

Gene: DYNC1H1 (dynein cytoplasmic 1 heavy chain 1; plus strand). Cytogenetic location: 14q32.31.
Variant type: single nucleotide variant.
Coding change: c.3943A>G on transcript NM_001376.5 (MANE Select); coding-DNA position 3943, A replaced by G.
Protein change: p.Ser1315Gly; replaces serine 1315 with glycine.
Molecular consequence: missense variant.
Genome position (GRCh38, 1-based): chr14:102,000,127, A>G. VCF-style: chr14-102000127-A-G. GRCh37 (hg19) VCF-style: chr14-102466464-A-G.
Other names: short protein forms S1315G.
Identifiers: ClinVar variation 3373646 (VCV003373646.3).